The following is an entry in ClinVar:

NM_000090.4(COL3A1):c.996+213C>T

Gene: COL3A1 (collagen type III alpha 1 chain; plus strand). Cytogenetic location: 2q32.2.
Variant type: single nucleotide variant.
Coding change: c.996+213C>T on transcript NM_000090.4 (MANE Select); 213 bases into the intron after coding-DNA position 996, C replaced by T.
Molecular consequence: intron variant.
Genome position (GRCh38, 1-based): chr2:188,992,441, C>T. VCF-style: chr2-188992441-C-T. GRCh37 (hg19) VCF-style: chr2-189857167-C-T.
Identifiers: ClinVar variation 676609 (VCV000676609.1), dbSNP rs41272831, ClinGen allele CA62593686.

ClinVar aggregate classification (germline): Likely benign (1 of 4 stars; one submission).

Allele frequency attached by ClinVar (database versions not stated): gnomAD 0.01091 and 0.01142; TOPMed 0.01233; 1000 Genomes Project 0.01378; 1000 Genomes Project 30x 0.01405.
gnomAD v4.1: 1,638 of 152,086 alleles (1.1%); highest among the groups gnomAD compares: African/African-American, 3.7%; 38 homozygotes.

Submission:

GeneDx
Classification: Likely benign. Last evaluated: 2018-06-14. Review status: criteria provided, single submitter. Criteria: GeneDx Variant Classification (06012015). Collection method: clinical testing. Allele origin: germline. Affected: yes.
Comment: This variant is considered likely benign or benign based on one or more of the following criteria: it is a conservative change, it occurs at a poorly conserved position in the protein, it is predicted to be benign by multiple in silico algorithms, and/or has population frequency not consistent with disease.